The following is an entry in ClinVar:

ClinVar aggregate classification (germline): Uncertain significance. Review status: criteria provided, multiple submitters, no conflicts (2 of 4 stars). 2 submissions from 2 submitters: Uncertain significance (2). Last evaluated 2024-11-18.

Conditions:
Cardiovascular phenotype. Identifiers: MedGen CN230736.

Allele frequency attached by ClinVar (database versions not stated): ESP Exome Variant Server 0.00009.
gnomAD v4.1: 2 of 1,514,982 alleles (0.00013%); highest among the groups gnomAD compares: Non-Finnish European, 0.00018%; no homozygotes.

Submissions (2):

Ambry Genetics
Classification: Uncertain significance for Cardiovascular phenotype. Last evaluated: 2024-11-18. Review status: criteria provided, single submitter. Criteria: Ambry Variant Classification Scheme 2023. Collection method: clinical testing. Allele origin: germline.
Comment: The p.G27V variant (also known as c.80G>T), located in coding exon 1 of the LOX gene, results from a G to T substitution at nucleotide position 80. The glycine at codon 27 is replaced by valine, an amino acid with dissimilar properties. This amino acid position is conserved. In addition, this alteration is predicted to be tolerated by in silico analysis. Based on the available evidence, the clinical significance of this variant remains unclear.

Labcorp Genetics (formerly Invitae), Labcorp
Classification: Uncertain significance. Last evaluated: 2023-02-09. Review status: criteria provided, single submitter. Criteria: Invitae Variant Classification Sherloc (09022015). Collection method: clinical testing. Allele origin: germline.
Comment: This variant is not present in population databases (gnomAD no frequency). This sequence change replaces glycine, which is neutral and non-polar, with valine, which is neutral and non-polar, at codon 27 of the LOX protein (p.Gly27Val). This variant has not been reported in the literature in individuals affected with LOX-related conditions. In summary, the available evidence is currently insufficient to determine the role of this variant in disease. Therefore, it has been classified as a Variant of Uncertain Significance. Advanced modeling of protein sequence and biophysical properties (such as structural, functional, and spatial information, amino acid conservation, physicochemical variation, residue mobility, and thermodynamic stability) performed at Invitae indicates that this missense variant is not expected to disrupt LOX protein function.

NM_002317.7(LOX):c.80G>T (p.Gly27Val)

Genes: LOX (lysyl oxidase; minus strand), SRFBP1 (serum response factor binding protein 1; plus strand). Cytogenetic location: 5q23.1.
Variant type: single nucleotide variant.
Coding change: c.80G>T on transcript NM_002317.7 (MANE Select); coding-DNA position 80, G replaced by T.
Protein change: p.Gly27Val; replaces glycine 27 with valine.
Molecular consequence: missense variant.
Genome position (GRCh38, 1-based): chr5:122,077,906, C>A on the plus strand (G>T on the coding strand, the complement: LOX is on the minus strand). VCF-style: chr5-122077906-C-A. GRCh37 (hg19) VCF-style: chr5-121413601-C-A.
Other names: c.80G>T (NM_002317.5); short protein forms G27V.
Identifiers: ClinVar variation 3001636 (VCV003001636.4), dbSNP rs374368100, ClinGen allele CA125917651.